The following is an entry in ClinVar:

NM_006372.5(SYNCRIP):c.1642C>T (p.Arg548Cys)

Gene: SYNCRIP (synaptotagmin binding cytoplasmic RNA interacting protein; minus strand). Cytogenetic location: 6q14.3.
Variant type: single nucleotide variant.
Coding change: c.1642C>T on transcript NM_006372.5 (MANE Select); coding-DNA position 1642, C replaced by T.
Protein change: p.Arg548Cys; replaces arginine 548 with cysteine.
Molecular consequence: missense variant.
Genome position (GRCh38, 1-based): chr6:85,614,986, G>A on the plus strand (C>T on the coding strand, the complement: SYNCRIP is on the minus strand). VCF-style: chr6-85614986-G-A. GRCh37 (hg19) VCF-style: chr6-86324704-G-A.
Other names: c.1348C>T, p.Arg450Cys (NM_001159673.2, NM_001410938.1); c.1537C>T, p.Arg513Cys (NM_001159674.2, NM_001159675.2); c.1642C>T, p.Arg548Cys (NM_001159676.2, NM_001159677.2); c.1186C>T, p.Arg396Cys (NM_001253771.2); short protein forms R548C, R396C, R450C, R513C.
Identifiers: ClinVar variation 2178199 (VCV002178199.4), dbSNP rs1455212560, ClinGen allele CA364899386.

ClinVar aggregate classification (germline): Uncertain significance (1 of 4 stars; one submission).

Allele frequency attached by ClinVar (database versions not stated): gnomAD exomes below 0.00001; gnomAD 0.00002; TOPMed 0.00002.
gnomAD v4.1: 6 of 1,613,234 alleles (0.00037%); highest among the groups gnomAD compares: Admixed American, 0.0017%; no homozygotes.

Submission:

Labcorp Genetics (formerly Invitae), Labcorp
Classification: Uncertain significance. Last evaluated: 2022-07-25. Review status: criteria provided, single submitter. Criteria: Invitae Variant Classification Sherloc (09022015). Collection method: clinical testing. Allele origin: germline.
Comment: This sequence change replaces arginine, which is basic and polar, with cysteine, which is neutral and slightly polar, at codon 450 of the SYNCRIP protein (p.Arg450Cys). In summary, the available evidence is currently insufficient to determine the role of this variant in disease. Therefore, it has been classified as a Variant of Uncertain Significance. Algorithms developed to predict the effect of missense changes on protein structure and function are either unavailable or do not agree on the potential impact of this missense change (SIFT: "Deleterious"; PolyPhen-2: "Not Available"; Align-GVGD: "Class C65"). This variant has not been reported in the literature in individuals affected with SYNCRIP-related conditions. This variant is not present in population databases (gnomAD no frequency).